The following is an entry in ClinVar:

ClinVar aggregate classification (germline): Uncertain significance (1 of 4 stars; one submission).

Submission:

Labcorp Genetics (formerly Invitae), Labcorp
Classification: Uncertain significance. Last evaluated: 2021-08-31. Review status: criteria provided, single submitter. Criteria: Invitae Variant Classification Sherloc (09022015). Collection method: clinical testing. Allele origin: germline.
Comment: This sequence change replaces glutamine with leucine at codon 164 of the CEP152 protein (p.Gln164Leu). The glutamine residue is highly conserved and there is a moderate physicochemical difference between glutamine and leucine. In summary, the available evidence is currently insufficient to determine the role of this variant in disease. Therefore, it has been classified as a Variant of Uncertain Significance. Algorithms developed to predict the effect of missense changes on protein structure and function are either unavailable or do not agree on the potential impact of this missense change (SIFT: "Deleterious"; PolyPhen-2: "Probably Damaging"; Align-GVGD: "Class C0"). This variant has not been reported in the literature in individuals affected with CEP152-related conditions. This variant is not present in population databases (ExAC no frequency).

NM_001194998.2(CEP152):c.491A>T (p.Gln164Leu)

Gene: CEP152 (centrosomal protein 152; minus strand). Cytogenetic location: 15q21.1.
Variant type: single nucleotide variant.
Coding change: c.491A>T on transcript NM_001194998.2 (MANE Select); coding-DNA position 491, A replaced by T.
Protein change: p.Gln164Leu; replaces glutamine 164 with leucine.
Molecular consequence: missense variant.
Genome position (GRCh38, 1-based): chr15:48,797,350, T>A on the plus strand (A>T on the coding strand, the complement: CEP152 is on the minus strand). VCF-style: chr15-48797350-T-A. GRCh37 (hg19) VCF-style: chr15-49089547-T-A.
Other names: c.491A>T, p.Gln164Leu (NM_014985.4); short protein forms Q164L.
Identifiers: ClinVar variation 1378192 (VCV001378192.6), dbSNP rs2140906381, ClinGen allele CA392357680.